The following is an entry in ClinVar:

ClinVar aggregate classification (germline): Uncertain significance. Review status: criteria provided, multiple submitters, no conflicts (2 of 4 stars). 2 submissions from 2 submitters: Uncertain significance (2). Last evaluated 2025-12-19.

Conditions:
CDH4-related disorder. Also called: CDH4-related condition.

Allele frequency attached by ClinVar (database versions not stated): TOPMed 0.00002; gnomAD 0.00003; gnomAD exomes 0.00004; ESP Exome Variant Server 0.00008; ExAC 0.00009.
gnomAD v4.1: 60 of 1,613,376 alleles (0.0037%); highest among the groups gnomAD compares: Admixed American, 0.028%; no homozygotes.

Submissions (2):

Ambry Genetics
Classification: Uncertain significance. Last evaluated: 2025-12-19. Review status: criteria provided, single submitter. Criteria: Ambry Variant Classification Scheme 2023. Collection method: clinical testing. Allele origin: germline.

PreventionGenetics, part of Exact Sciences
Classification: Uncertain significance for CDH4-related condition. Last evaluated: 2023-04-15. Review status: criteria provided, single submitter. Criteria: ACMG Guidelines, 2015. Collection method: clinical testing. Allele origin: germline.
Comment: The CDH4 c.1187C>T variant is predicted to result in the amino acid substitution p.Thr396Met. To our knowledge, this variant has not been reported in the literature. This variant is reported in 0.026% of alleles in individuals of Latino descent in gnomAD. At this time, the clinical significance of this variant is uncertain due to the absence of conclusive functional and genetic evidence.

NM_001794.5(CDH4):c.1187C>T (p.Thr396Met)

Gene: CDH4 (cadherin 4; plus strand). Cytogenetic location: 20q13.33.
Variant type: single nucleotide variant.
Coding change: c.1187C>T on transcript NM_001794.5 (MANE Select); coding-DNA position 1187, C replaced by T.
Protein change: p.Thr396Met; replaces threonine 396 with methionine.
Molecular consequence: missense variant.
Genome position (GRCh38, 1-based): chr20:61,895,046, C>T. VCF-style: chr20-61895046-C-T. GRCh37 (hg19) VCF-style: chr20-60470102-C-T.
Other names: c.1187C>T (NM_001794.2); c.1076C>T, p.Thr359Met (NM_001252338.2); c.965C>T, p.Thr322Met (NM_001252339.3); short protein forms T322M, T359M, T396M.
Identifiers: ClinVar variation 2635801 (VCV002635801.2), dbSNP rs373483932, ClinGen allele CA9934613.